The following is an entry in ClinVar:

NM_004706.4(ARHGEF1):c.944G>A (p.Gly315Glu)

Gene: ARHGEF1 (Rho guanine nucleotide exchange factor 1; plus strand). Cytogenetic location: 19q13.2.
Variant type: single nucleotide variant.
Coding change: c.944G>A on transcript NM_004706.4 (MANE Select); coding-DNA position 944, G replaced by A.
Protein change: p.Gly315Glu; replaces glycine 315 with glutamic acid.
Molecular consequence: missense variant. On other transcripts: non-coding transcript variant (2).
Genome position (GRCh38, 1-based): chr19:41,895,415, G>A. VCF-style: chr19-41895415-G-A. GRCh37 (hg19) VCF-style: chr19-42399488-G-A.
Other names: c.845G>A, p.Gly282Glu (NM_198977.2, NM_001396002.1, NM_001396004.1); c.989G>A, p.Gly330Glu (NM_199002.2); c.944G>A, p.Gly315Glu (NM_001396000.1, NM_001396003.1, NM_001396006.1); short protein forms G330E, G282E, G315E.
Identifiers: ClinVar variation 3657777 (VCV003657777.2).

ClinVar aggregate classification (germline): Uncertain significance (1 of 4 stars; one submission).

Submission:

Labcorp Genetics (formerly Invitae), Labcorp
Classification: Uncertain significance. Last evaluated: 2024-07-15. Review status: criteria provided, single submitter. Criteria: Invitae Variant Classification Sherloc (09022015). Collection method: clinical testing. Allele origin: germline.
Comment: This sequence change replaces glycine, which is neutral and non-polar, with glutamic acid, which is acidic and polar, at codon 330 of the ARHGEF1 protein (p.Gly330Glu). This variant is not present in population databases (gnomAD no frequency). This variant has not been reported in the literature in individuals affected with ARHGEF1-related conditions. An algorithm developed to predict the effect of missense changes on protein structure and function (PolyPhen-2) suggests that this variant is likely to be disruptive. In summary, the available evidence is currently insufficient to determine the role of this variant in disease. Therefore, it has been classified as a Variant of Uncertain Significance.